The following is an entry in ClinVar:

ClinVar aggregate classification (germline): Likely benign (1 of 4 stars; one submission).

Conditions:
PEG3-related disorder. Also called: PEG3-related condition.

gnomAD v4.1: 10 of 1,613,772 alleles (0.00062%); highest among the groups gnomAD compares: African/African-American, 0.012%; no homozygotes.

Submission:

PreventionGenetics, part of Exact Sciences
Classification: Likely benign for PEG3-related condition. Last evaluated: 2026-09-03. Review status: criteria provided, single submitter. Criteria: ACMG Guidelines, 2015. Collection method: clinical testing. Allele origin: germline.
Comment: This variant is classified as likely benign based on ACMG/AMP sequence variant interpretation guidelines (Richards et al. 2015 PMID: 25741868, with internal and published modifications).

NM_006210.3(PEG3):c.3882A>G (p.Pro1294=)

Genes: PEG3 (paternally expressed 3; minus strand), ZIM2 (zinc finger imprinted 2; minus strand). Cytogenetic location: 19q13.43.
Variant type: single nucleotide variant.
Coding change: c.3882A>G on transcript NM_006210.3 (MANE Select); coding-DNA position 3882, A replaced by G.
Protein change: p.Pro1294=; no amino-acid change (proline 1294 retained).
Molecular consequence: synonymous variant. On other transcripts: intron variant (11).
Genome position (GRCh38, 1-based): chr19:56,814,560, T>C on the plus strand (A>G on the coding strand, the complement: PEG3 is on the minus strand). VCF-style: chr19-56814560-T-C. GRCh37 (hg19) VCF-style: chr19-57325928-T-C.
Other names: NM_001146186.1:c.3882A>G; c.3882A>G, p.Pro1294= (NM_001146184.2); c.3504A>G, p.Pro1168= (NM_001146185.2); c.3510A>G, p.Pro1170= (NM_001146187.2, NM_001369720.1, NM_001369721.1 and 13 more transcripts); c.3888A>G, p.Pro1296= (NM_001369717.1, NM_001369718.1); c.3795A>G, p.Pro1265= (NM_001369719.1); c.3417A>G, p.Pro1139= (NM_001369734.1, NM_001369735.1, NM_001369736.1 and 2 more transcripts); c.397+4040A>G (NM_015363.5, NM_001387358.1, NM_001146326.2 and 5 more transcripts); and 1 more.
Identifiers: ClinVar variation 4980128 (VCV004980128.1).